The following is an entry in ClinVar:

ClinVar aggregate classification (germline): Uncertain significance (1 of 4 stars; one submission).

Conditions:
Ataxia-telangiectasia syndrome (AT). Also called: AT, COMPLEMENTATION GROUP C; Ataxia-telangiectasia, complementation group D; ATAXIA-TELANGIECTASIA, COMPLEMENTATION GROUP A; ATAXIA-TELANGIECTASIA, FRESNO VARIANT; Ataxia-telangiectasia; Ataxia telangiectasia (A-T). Identifiers: Orphanet 100, MedGen C0004135, MONDO:0008840, OMIM 208900.

Submission:

Labcorp Genetics (formerly Invitae), Labcorp
Classification: Uncertain significance for Ataxia-telangiectasia syndrome. Last evaluated: 2024-01-14. Review status: criteria provided, single submitter. Criteria: Invitae Variant Classification Sherloc (09022015). Collection method: clinical testing. Allele origin: germline.
Comment: This sequence change replaces serine, which is neutral and polar, with cysteine, which is neutral and slightly polar, at codon 549 of the ATM protein (p.Ser549Cys). This variant is not present in population databases (gnomAD no frequency). This variant has not been reported in the literature in individuals affected with ATM-related conditions. Algorithms developed to predict the effect of missense changes on protein structure and function output the following: SIFT: "Not Available"; PolyPhen-2: "Benign"; Align-GVGD: "Not Available". The cysteine amino acid residue is found in multiple mammalian species, which suggests that this missense change does not adversely affect protein function. In summary, the available evidence is currently insufficient to determine the role of this variant in disease. Therefore, it has been classified as a Variant of Uncertain Significance.

NM_000051.4(ATM):c.1645A>T (p.Ser549Cys)

Gene: ATM (ATM serine/threonine kinase; plus strand). Cytogenetic location: 11q22.3.
Variant type: single nucleotide variant.
Coding change: c.1645A>T on transcript NM_000051.4 (MANE Select); coding-DNA position 1645, A replaced by T.
Protein change: p.Ser549Cys; replaces serine 549 with cysteine.
Molecular consequence: missense variant.
Genome position (GRCh38, 1-based): chr11:108,251,874, A>T. VCF-style: chr11-108251874-A-T. GRCh37 (hg19) VCF-style: chr11-108122601-A-T.
Other names: c.1645A>T, p.Ser549Cys (NM_001351834.2); short protein forms S549C.
Identifiers: ClinVar variation 2747641 (VCV002747641.2), dbSNP rs2135339772, ClinGen allele CA382534539.